The following is an entry in ClinVar:

NM_014727.3(KMT2B):c.3790-3C>T

Gene: KMT2B (lysine methyltransferase 2B; plus strand). Cytogenetic location: 19q13.12.
Variant type: single nucleotide variant.
Coding change: c.3790-3C>T on transcript NM_014727.3 (MANE Select); 3 bases into the intron before coding-DNA position 3790, C replaced by T.
Molecular consequence: intron variant.
Genome position (GRCh38, 1-based): chr19:35,725,720, C>T. VCF-style: chr19-35725720-C-T. GRCh37 (hg19) VCF-style: chr19-36216621-C-T.
Identifiers: ClinVar variation 2778663 (VCV002778663.3), dbSNP rs2513331818, ClinGen allele CA2739276649.

ClinVar aggregate classification (germline): Uncertain significance (1 of 4 stars; one submission).

Submission:

Labcorp Genetics (formerly Invitae), Labcorp
Classification: Uncertain significance. Last evaluated: 2023-12-26. Review status: criteria provided, single submitter. Criteria: Invitae Variant Classification Sherloc (09022015). Collection method: clinical testing. Allele origin: germline.
Comment: This sequence change falls in intron 12 of the KMT2B gene. It does not directly change the encoded amino acid sequence of the KMT2B protein. It affects a nucleotide within the consensus splice site. This variant is not present in population databases (gnomAD no frequency). This variant has not been reported in the literature in individuals affected with KMT2B-related conditions. Variants that disrupt the consensus splice site are a relatively common cause of aberrant splicing (PMID: 17576681, 9536098). Algorithms developed to predict the effect of sequence changes on RNA splicing suggest that this variant may disrupt the consensus splice site. In summary, the available evidence is currently insufficient to determine the role of this variant in disease. Therefore, it has been classified as a Variant of Uncertain Significance.

Literature cited by the submitters: PubMed 17576681; PubMed 9536098.